The following is an entry in ClinVar:

ClinVar aggregate classification (germline): Uncertain significance. Review status: criteria provided, multiple submitters, no conflicts (2 of 4 stars). 2 submissions from 2 submitters: Uncertain significance (2). Last evaluated 2025-11-05.

Conditions:
Familial cancer of breast. Also called: hereditary breast carcinoma; Hereditary breast cancer; BREAST CANCER, FAMILIAL. Identifiers: Orphanet 227535, MedGen C0346153, MONDO:0016419, OMIM 114480. Disease mechanism: loss of function.

Submissions (2):

Labcorp Genetics (formerly Invitae), Labcorp
Classification: Uncertain significance for Familial cancer of breast. Last evaluated: 2025-11-05. Review status: criteria provided, single submitter. Criteria: Invitae Variant Classification Sherloc (09022015). Collection method: clinical testing. Allele origin: germline.
Comment: This sequence change replaces aspartic acid, which is acidic and polar, with valine, which is neutral and non-polar, at codon 102 of the BARD1 protein (p.Asp102Val). This variant is not present in population databases (gnomAD no frequency). This variant has not been reported in the literature in individuals affected with BARD1-related conditions. ClinVar contains an entry for this variant (Variation ID: 2503791). An algorithm developed to predict the effect of missense changes on protein structure and function (PolyPhen-2) suggests that this variant is likely to be disruptive. In summary, the available evidence is currently insufficient to determine the role of this variant in disease. Therefore, it has been classified as a Variant of Uncertain Significance.

KCCC/NGS Laboratory, Kuwait Cancer Control Center
Classification: Uncertain significance for Familial cancer of breast. Last evaluated: 2023-05-29. Review status: criteria provided, single submitter. Criteria: ACMG Guidelines, 2015. Collection method: clinical testing. Allele origin: unknown. Inheritance: Autosomal dominant inheritance. Affected: yes.
Comment: A variant of unknown significance was detected in the BARD1 gene (c.305A>T). This sequence change replaces aspargine with valine at codon 102 of the BARD1 protein (p.Asp102Val). This variantnot present in population databases (gnomAD). This variant has not been reported in the literature in individuals with BARD1-related disease. . In-silico predictions show pathogenic computational verdict based on 3 pathigenic predictions from SIFT, Polyphen and MetaRNN vs 10 uncertain BayesDel_addAF, DANN, DEOGEN2, EIGEN, FATHMM-MKL, LIST-S2, MVP, MutationTaster, PrimateAI ,REVEL and CAP. The position is not strongly conserved ( PhyloP=2.6) .Therefore, it has been classified as a Variant of Uncertain Significance.

NM_000465.4(BARD1):c.305A>T (p.Asp102Val)

Gene: BARD1 (BRCA1 associated RING domain 1; minus strand). Cytogenetic location: 2q35.
Variant type: single nucleotide variant.
Coding change: c.305A>T on transcript NM_000465.4 (MANE Select); coding-DNA position 305, A replaced by T.
Protein change: p.Asp102Val; replaces aspartic acid 102 with valine.
Molecular consequence: missense variant. On other transcripts: non-coding transcript variant (1), intron variant (2).
Genome position (GRCh38, 1-based): chr2:214,792,356, T>A on the plus strand (A>T on the coding strand, the complement: BARD1 is on the minus strand). VCF-style: chr2-214792356-T-A. GRCh37 (hg19) VCF-style: chr2-215657080-T-A.
Other names: c.248A>T, p.Asp83Val (NM_001282543.2); c.305A>T, p.Asp102Val (NM_001282549.2); c.158+17056A>T (NM_001282548.2); c.215+4705A>T (NM_001282545.2); short protein forms D102V, D83V.
Identifiers: ClinVar variation 2503791 (VCV002503791.3), dbSNP rs1559436950, ClinGen allele CA350460976.
Genomic context (GRCh38, chr2:214,792,356, plus strand): 5'-CCTGACAGCTCATTGTCATGTAGCAAATTTCGAAGCTTACTACAAAGTTGAATCATGCTG[T>A]CCAGTTGTCTATTTATCTTCAAGTCTTGTATCCAGGCCGGGGTGTAACACACTGGACATC-3'
Protein context (NP_000456.2, residues 92-112): IQDLKINRQL[Asp102Val]SMIQLCSKLR